The following is an entry in ClinVar:

ClinVar aggregate classification (germline): Uncertain significance. Review status: criteria provided, multiple submitters, no conflicts (2 of 4 stars). 2 submissions from 2 submitters: Uncertain significance (2). Last evaluated 2019-06-21.

Conditions:
Autosomal recessive limb-girdle muscular dystrophy type 2J (LGMDR10). Also called: Limb-girdle muscular dystrophy, type 2J; MUSCULAR DYSTROPHY, LIMB-GIRDLE, AUTOSOMAL RECESSIVE 10. Identifiers: Orphanet 140922, MedGen C1837342, MONDO:0012127, OMIM 608807.
Dilated cardiomyopathy 1G (CMD1G). Identifiers: Orphanet 154, MedGen C1858763, MONDO:0011400, OMIM 604145.
Cardiovascular phenotype. Identifiers: MedGen CN230736.

Allele frequency attached by ClinVar (database versions not stated): gnomAD exomes below 0.00001; gnomAD 0.00002; TOPMed 0.00003.
gnomAD v4.1: 4 of 1,612,676 alleles (0.00025%); highest among the groups gnomAD compares: African/African-American, 0.0053%; no homozygotes.

Submissions (2):

Ambry Genetics
Classification: Uncertain significance for Cardiovascular phenotype. Last evaluated: 2019-06-21. Review status: criteria provided, single submitter. Criteria: Ambry Variant Classification Scheme 2023. Collection method: clinical testing. Allele origin: germline.
Comment: The p.T12234I variant (also known as c.36701C>T), located in coding exon 134 of the TTN gene, results from a C to T substitution at nucleotide position 36701. The threonine at codon 12234 is replaced by isoleucine, an amino acid with similar properties. This amino acid position is well conserved in available vertebrate species. In addition, this alteration is predicted to be tolerated by in silico analysis. Since supporting evidence is limited at this time, the clinical significance of this alteration remains unclear.

Labcorp Genetics (formerly Invitae), Labcorp
Classification: Uncertain significance for Dilated cardiomyopathy 1G; Autosomal recessive limb-girdle muscular dystrophy type 2J. Last evaluated: 2017-09-14. Review status: criteria provided, single submitter. Criteria: Invitae Variant Classification Sherloc (09022015). Collection method: clinical testing. Allele origin: germline.

NM_001267550.2(TTN):c.63896C>T (p.Thr21299Ile)

Genes: TTN-AS1 (TTN antisense RNA 1; plus strand), TTN (titin; minus strand). Cytogenetic location: 2q31.2.
Variant type: single nucleotide variant.
Coding change: c.63896C>T on transcript NM_001267550.2 (MANE Select); coding-DNA position 63896, C replaced by T.
Protein change: p.Thr21299Ile; replaces threonine 21299 with isoleucine.
Molecular consequence: missense variant.
Genome position (GRCh38, 1-based): chr2:178,587,315, G>A on the plus strand (C>T on the coding strand, the complement: TTN is on the minus strand). VCF-style: chr2-178587315-G-A. GRCh37 (hg19) VCF-style: chr2-179452042-G-A.
Other names: c.58973C>T, p.Thr19658Ile (NM_001256850.1); c.36701C>T, p.Thr12234Ile (NM_003319.4); c.56192C>T, p.Thr18731Ile (NM_133378.4); c.37076C>T, p.Thr12359Ile (NM_133432.3); c.37277C>T, p.Thr12426Ile (NM_133437.4); short protein forms T21299I, T12359I, T12234I, T18731I, T19658I, T12426I.
Identifiers: ClinVar variation 467366 (VCV000467366.5), dbSNP rs1031526299, ClinGen allele CA60965218.